The following is an entry in ClinVar:

NM_006231.4(POLE):c.1054C>G (p.Gln352Glu)

Gene: POLE (DNA polymerase epsilon, catalytic subunit; minus strand). Cytogenetic location: 12q24.33.
Variant type: single nucleotide variant.
Coding change: c.1054C>G on transcript NM_006231.4 (MANE Select); coding-DNA position 1054, C replaced by G.
Protein change: p.Gln352Glu; replaces glutamine 352 with glutamic acid.
Molecular consequence: missense variant.
Genome position (GRCh38, 1-based): chr12:132,675,787, G>C on the plus strand (C>G on the coding strand, the complement: POLE is on the minus strand). VCF-style: chr12-132675787-G-C. GRCh37 (hg19) VCF-style: chr12-133252373-G-C.
Other names: short protein forms Q352E.
Identifiers: ClinVar variation 1026081 (VCV001026081.8), dbSNP rs2043036372, ClinGen allele CA387361619.

ClinVar aggregate classification (germline): Uncertain significance (1 of 4 stars; one submission).

Submission:

Labcorp Genetics (formerly Invitae), Labcorp
Classification: Uncertain significance. Last evaluated: 2020-06-21. Review status: criteria provided, single submitter. Criteria: Invitae Variant Classification Sherloc (09022015). Collection method: clinical testing. Allele origin: germline.
Comment: This sequence change replaces glutamine with glutamic acid at codon 352 of the POLE protein (p.Gln352Glu). The glutamine residue is moderately conserved and there is a small physicochemical difference between glutamine and glutamic acid. This variant is not present in population databases (ExAC no frequency). This variant has not been reported in the literature in individuals with POLE-related conditions. Algorithms developed to predict the effect of missense changes on protein structure and function (SIFT, PolyPhen-2, Align-GVGD) all suggest that this variant is likely to be tolerated, but these predictions have not been confirmed by published functional studies and their clinical significance is uncertain. In summary, the available evidence is currently insufficient to determine the role of this variant in disease. Therefore, it has been classified as a Variant of Uncertain Significance.